The following is an entry in ClinVar:

NM_000179.3(MSH6):c.3750T>G (p.His1250Gln)

Gene: MSH6 (mutS homolog 6; plus strand). Cytogenetic location: 2p16.3.
Variant type: single nucleotide variant.
Coding change: c.3750T>G on transcript NM_000179.3 (MANE Select); coding-DNA position 3750, T replaced by G.
Protein change: p.His1250Gln; replaces histidine 1250 with glutamine.
Molecular consequence: missense variant. On other transcripts: non-coding transcript variant (5).
Genome position (GRCh38, 1-based): chr2:47,806,307, T>G. VCF-style: chr2-47806307-T-G. GRCh37 (hg19) VCF-style: chr2-48033446-T-G.
Other names: c.3360T>G, p.His1120Gln (NM_001281492.2); c.2844T>G, p.His948Gln (NM_001281493.2, NM_001281494.2, NM_001406811.1 and 6 more transcripts); c.3846T>G, p.His1282Gln (NM_001406795.1, NM_001406802.1); c.3750T>G, p.His1250Gln (NM_001406796.1, NM_001406800.1, NM_001406808.1 and 1 more transcripts); c.3453T>G, p.His1151Gln (NM_001406797.1, NM_001406801.1, NM_001406805.1 and 10 more transcripts); c.3576T>G, p.His1192Gln (NM_001406798.1); c.3225T>G, p.His1075Gln (NM_001406799.1, NM_001406806.1, NM_001406807.1); c.2886T>G, p.His962Gln (NM_001406803.1); and 7 more; short protein forms H1075Q, H1120Q, H1151Q, H1192Q, H1194Q, H1224Q, H1250Q, H1252Q.
Identifiers: ClinVar variation 4800234 (VCV004800234.1).
Genomic context (GRCh38, chr2:47,806,307, plus strand): 5'-AGTTGTTAAAGAACTTGCTGAGACTATAAAATGTCGTACATTATTTTCAACTCACTACCA[T>G]TCATTAGTAGAAGATTATTCTCAAAATGTTGCTGTGCGCCTAGGACATATGGTATGTGCA-3'
Protein context (NP_000170.1, residues 1240-1260): KCRTLFSTHY[His1250Gln]SLVEDYSQNV

ClinVar aggregate classification (germline): Uncertain significance (1 of 4 stars; one submission).

Conditions:
Hereditary nonpolyposis colorectal neoplasms. Identifiers: MedGen C0009405, MeSH D003123.

Submission:

Labcorp Genetics (formerly Invitae), Labcorp
Classification: Uncertain significance for Hereditary nonpolyposis colorectal neoplasms. Last evaluated: 2026-01-14. Review status: criteria provided, single submitter. Criteria: Invitae Variant Classification Sherloc (09022015). Collection method: clinical testing. Allele origin: germline.
Comment: This sequence change replaces histidine, which is basic and polar, with glutamine, which is neutral and polar, at codon 1250 of the MSH6 protein (p.His1250Gln). This variant is not present in population databases (gnomAD no frequency). This variant has not been reported in the literature in individuals affected with MSH6-related conditions. Invitae Evidence Modeling of protein sequence and biophysical properties (such as structural, functional, and spatial information, amino acid conservation, physicochemical variation, residue mobility, and thermodynamic stability) has been performed for this missense variant. However, the output from this modeling did not meet the statistical confidence thresholds required to predict the impact of this variant on MSH6 protein function. In summary, the available evidence is currently insufficient to determine the role of this variant in disease. Therefore, it has been classified as a Variant of Uncertain Significance.